The following is an entry in ClinVar:

NM_001286577.2(C2CD3):c.6563C>T (p.Thr2188Met)

Gene: C2CD3 (C2 domain containing 3 centriole elongation regulator; minus strand). Cytogenetic location: 11q13.4.
Variant type: single nucleotide variant.
Coding change: c.6563C>T on transcript NM_001286577.2 (MANE Select); coding-DNA position 6563, C replaced by T.
Protein change: p.Thr2188Met; replaces threonine 2188 with methionine.
Molecular consequence: missense variant.
Genome position (GRCh38, 1-based): chr11:74,033,597, G>A on the plus strand (C>T on the coding strand, the complement: C2CD3 is on the minus strand). VCF-style: chr11-74033597-G-A. GRCh37 (hg19) VCF-style: chr11-73744642-G-A.
Other names: short protein forms T2188M.
Identifiers: ClinVar variation 2186649 (VCV002186649.1), dbSNP rs975773925, ClinGen allele CA224505536.

ClinVar aggregate classification (germline): Uncertain significance (1 of 4 stars; one submission).

Allele frequency attached by ClinVar (database versions not stated): gnomAD exomes below 0.00001; gnomAD 0.00001; TOPMed 0.00006.
gnomAD v4.1: 8 of 1,536,018 alleles (0.00052%); highest among the groups gnomAD compares: Admixed American, 0.0059%; no homozygotes.

Submission:

Labcorp Genetics (formerly Invitae), Labcorp
Classification: Uncertain significance. Last evaluated: 2022-03-29. Review status: criteria provided, single submitter. Criteria: Invitae Variant Classification Sherloc (09022015). Collection method: clinical testing. Allele origin: germline.
Comment: The C2CD3 gene has multiple clinically relevant transcripts. This variant occurs in alternate transcript NM_001286577.1, and corresponds to NM_015531.5:c.*1001C>T in the primary transcript. This sequence change replaces threonine, which is neutral and polar, with methionine, which is neutral and non-polar, at codon 2188 of the C2CD3 protein (p.Thr2188Met). This variant is present in population databases (no rsID available, gnomAD 0.02%). This variant has not been reported in the literature in individuals affected with C2CD3-related conditions. Experimental studies and prediction algorithms are not available or were not evaluated, and the functional significance of this variant is currently unknown. In summary, the available evidence is currently insufficient to determine the role of this variant in disease. Therefore, it has been classified as a Variant of Uncertain Significance.